The following is an entry in ClinVar:

NM_004456.5(EZH2):c.284T>G (p.Val95Gly)

Gene: EZH2 (enhancer of zeste 2 polycomb repressive complex 2 subunit; minus strand). Cytogenetic location: 7q36.1.
Variant type: single nucleotide variant.
Coding change: c.284T>G on transcript NM_004456.5 (MANE Select); coding-DNA position 284, T replaced by G.
Protein change: p.Val95Gly; replaces valine 95 with glycine.
Molecular consequence: missense variant. On other transcripts: intron variant (1).
Genome position (GRCh38, 1-based): chr7:148,832,713, A>C on the plus strand (T>G on the coding strand, the complement: EZH2 is on the minus strand). VCF-style: chr7-148832713-A-C. GRCh37 (hg19) VCF-style: chr7-148529805-A-C.
Other names: c.284T>G, p.Val95Gly (NM_001203247.2); c.257T>G, p.Val86Gly (NM_001203248.2, NM_001203249.2); c.247-2865T>G (NM_152998.3); short protein forms V86G, V95G.
Identifiers: ClinVar variation 1941428 (VCV001941428.5), dbSNP rs2537322826, ClinGen allele CA369707261.

ClinVar aggregate classification (germline): Uncertain significance (1 of 4 stars; one submission).

Conditions:
Weaver syndrome (WVS). Also called: Weaver Smith syndrome; Overgrowth syndrome with accelerated skeletal maturation, unusual facies, and camptodactyly. Identifiers: Orphanet 3447, MedGen C0265210, MONDO:0010193, OMIM 277590.

Allele frequency attached by ClinVar (database versions not stated): gnomAD exomes below 0.00001.
gnomAD v4.1: 1 of 1,609,760 alleles (0.000062%); highest among the groups gnomAD compares: African/African-American, 0.0013%; no homozygotes.

Submission:

Labcorp Genetics (formerly Invitae), Labcorp
Classification: Uncertain significance for Weaver syndrome. Last evaluated: 2023-08-17. Review status: criteria provided, single submitter. Criteria: Invitae Variant Classification Sherloc (09022015). Collection method: clinical testing. Allele origin: germline.
Comment: This variant has not been reported in the literature in individuals affected with EZH2-related conditions. ClinVar contains an entry for this variant (Variation ID: 1941428). Advanced modeling of protein sequence and biophysical properties (such as structural, functional, and spatial information, amino acid conservation, physicochemical variation, residue mobility, and thermodynamic stability) performed at Invitae indicates that this missense variant is not expected to disrupt EZH2 protein function. In summary, the available evidence is currently insufficient to determine the role of this variant in disease. Therefore, it has been classified as a Variant of Uncertain Significance. This variant is not present in population databases (gnomAD no frequency). This sequence change replaces valine, which is neutral and non-polar, with glycine, which is neutral and non-polar, at codon 95 of the EZH2 protein (p.Val95Gly).